The following is an entry in ClinVar:

NM_004984.4(KIF5A):c.2735G>A (p.Arg912Gln)

Gene: KIF5A (kinesin family member 5A; plus strand). Cytogenetic location: 12q13.3.
Variant type: single nucleotide variant.
Coding change: c.2735G>A on transcript NM_004984.4 (MANE Select); coding-DNA position 2735, G replaced by A.
Protein change: p.Arg912Gln; replaces arginine 912 with glutamine.
Molecular consequence: missense variant.
Genome position (GRCh38, 1-based): chr12:57,581,152, G>A. VCF-style: chr12-57581152-G-A. GRCh37 (hg19) VCF-style: chr12-57974935-G-A.
Other names: c.2468G>A, p.Arg823Gln (NM_001354705.2); short protein forms R823Q, R912Q.
Identifiers: ClinVar variation 4277384 (VCV004277384.1).

ClinVar aggregate classification (germline): Uncertain significance (1 of 4 stars; one submission).

Conditions:
Hereditary spastic paraplegia 10 (SPG10). Also called: SPASTIC PARAPLEGIA 10 WITH OR WITHOUT PERIPHERAL NEUROPATHY; SPASTIC PARAPLEGIA 10 WITH PERIPHERAL NEUROPATHY; SPASTIC PARAPLEGIA 10, AUTOSOMAL DOMINANT. Identifiers: Orphanet 100991, MedGen C1858712, MONDO:0011408, OMIM 604187.

gnomAD v4.1: 1 of 1,613,850 alleles (0.000062%); highest among the groups gnomAD compares: Non-Finnish European, 0.000085%; no homozygotes.

Submission:

Institute of Human Genetics, University of Goettingen
Classification: Uncertain significance for Hereditary spastic paraplegia 10. Last evaluated: 2025-09-30. Review status: criteria provided, single submitter. Criteria: ACMG Guidelines, 2015. Collection method: clinical testing. Allele origin: germline. Inheritance: Autosomal dominant inheritance. Affected: yes. Observed: 1 heterozygote.
Comment: The NM_004984.4(KIF5A):​c.2735G>A​(p.Arg912Gln) variant causes a missense change. The variant allele was found at a frequency of 0.000000684 in 1,461,560 control chromosomes in the GnomAD database, with no homozygous occurrence. The in-silico tool REVEL predicts a damaging outcome for this variant. Another variant affecting the same amino acid position, but resulting in a different missense (i.e. Arg912Trp) has been classified as Uncertain significance. (Fiorini et al. (2023), PubMed: 40225153)

Literature cited by the submitters: PubMed 40225153.